The following is an entry in ClinVar:

ClinVar aggregate classification (germline): Uncertain significance (1 of 4 stars; one submission).

Submission:

Labcorp Genetics (formerly Invitae), Labcorp
Classification: Uncertain significance. Last evaluated: 2021-06-05. Review status: criteria provided, single submitter. Criteria: Invitae Variant Classification Sherloc (09022015). Collection method: clinical testing. Allele origin: germline.
Comment: This sequence change replaces proline with threonine at codon 1213 of the RBP3 protein (p.Pro1213Thr). The proline residue is highly conserved and there is a small physicochemical difference between proline and threonine. This variant is not present in population databases (ExAC no frequency). This variant has not been reported in the literature in individuals with RBP3-related conditions. Algorithms developed to predict the effect of missense changes on protein structure and function (SIFT, PolyPhen-2, Align-GVGD) all suggest that this variant is likely to be disruptive, but these predictions have not been confirmed by published functional studies and their clinical significance is uncertain. In summary, the available evidence is currently insufficient to determine the role of this variant in disease. Therefore, it has been classified as a Variant of Uncertain Significance.

NM_002900.3(RBP3):c.3637C>A (p.Pro1213Thr)

Gene: RBP3 (retinol binding protein 3; plus strand). Cytogenetic location: 10q11.22.
Variant type: single nucleotide variant.
Coding change: c.3637C>A on transcript NM_002900.3 (MANE Select); coding-DNA position 3637, C replaced by A.
Protein change: p.Pro1213Thr; replaces proline 1213 with threonine.
Molecular consequence: missense variant.
Genome position (GRCh38, 1-based): chr10:47,357,350, C>A. VCF-style: chr10-47357350-C-A. GRCh37 (hg19) VCF-style: chr10-48382012-G-T.
Other names: short protein forms P1213T.
Identifiers: ClinVar variation 1350424 (VCV001350424.8), dbSNP rs782519239, ClinGen allele CA376677758.
Genomic context (GRCh38, chr10:47,357,350, plus strand): 5'-CCCACGGCCCGTTCTGTGGGGGCCTCGGATGGCAGCTCCTGGGAAGGGGTGGGGGTGACA[C>A]CCCATGTGGTTGTCCCTGCAGAAGAGGCTCTCGCCAGGGCCAAGGAGATGCTCCAGCACA-3'
Protein context (NP_002891.1, residues 1203-1223): GSSWEGVGVT[Pro1213Thr]HVVVPAEEAL